The following is an entry in ClinVar:

NM_004568.6(SERPINB6):c.312+5G>A

Gene: SERPINB6 (serpin family B member 6; minus strand). Cytogenetic location: 6p25.2.
Variant type: single nucleotide variant.
Coding change: c.312+5G>A on transcript NM_004568.6 (MANE Select); 5 bases into the intron after coding-DNA position 312, G replaced by A.
Molecular consequence: intron variant.
Genome position (GRCh38, 1-based): chr6:2,955,519, C>T on the plus strand (G>A on the coding strand, the complement: SERPINB6 is on the minus strand). VCF-style: chr6-2955519-C-T. GRCh37 (hg19) VCF-style: chr6-2955753-C-T.
Other names: c.312+5G>A (NM_001297700.2, NM_001271824.2, NM_001297699.2 and 2 more transcripts); c.324+5G>A (NM_001195291.3, NM_001374515.1); c.354+5G>A (NM_001271822.2); c.369+5G>A (NM_001271823.2); c.180+5G>A (NM_001374517.1).
Identifiers: ClinVar variation 4075589 (VCV004075589.1).

ClinVar aggregate classification (germline): Uncertain significance (1 of 4 stars; one submission).

Submission:

GeneDx
Classification: Uncertain significance. Last evaluated: 2025-02-16. Review status: criteria provided, single submitter. Criteria: GeneDx Variant Classification Process June 2021. Collection method: clinical testing. Allele origin: germline. Affected: yes.
Comment: Intronic +5 splice site variant in a gene for which loss of function is a known mechanism of disease, and both splice predictors and evolutionary conservation support a deleterious effect, although in the absence of functional evidence the actual effect of this sequence change is unknown.; Has not been previously published as pathogenic or benign to our knowledge